The following is an entry in ClinVar:

NM_005475.3(SH2B3):c.1445C>T (p.Pro482Leu)

Gene: SH2B3 (SH2B adaptor protein 3; plus strand). Cytogenetic location: 12q24.12.
Variant type: single nucleotide variant.
Coding change: c.1445C>T on transcript NM_005475.3 (MANE Select); coding-DNA position 1445, C replaced by T.
Protein change: p.Pro482Leu; replaces proline 482 with leucine.
Molecular consequence: missense variant.
Genome position (GRCh38, 1-based): chr12:111,448,019, C>T. VCF-style: chr12-111448019-C-T. GRCh37 (hg19) VCF-style: chr12-111885823-C-T.
Other names: c.839C>T, p.Pro280Leu (NM_001291424.1); short protein forms P482L, P280L.
Identifiers: ClinVar variation 3953503 (VCV003953503.1).

ClinVar aggregate classification (germline): Uncertain significance (1 of 4 stars; one submission).

Conditions:
Inborn genetic diseases. Identifiers: MedGen C0950123, MeSH D030342.

gnomAD v4.1: 7 of 1,610,718 alleles (0.00043%); highest among the groups gnomAD compares: Non-Finnish European, 0.00059%; no homozygotes.

Submission:

Ambry Genetics
Classification: Uncertain significance for Inborn genetic diseases. Last evaluated: 2025-05-18. Review status: criteria provided, single submitter. Criteria: Ambry Variant Classification Scheme 2023. Collection method: clinical testing. Allele origin: germline.
Comment: The p.P482L variant (also known as c.1445C>T), located in coding exon 7 of the SH2B3 gene, results from a C to T substitution at nucleotide position 1445. The proline at codon 482 is replaced by leucine, an amino acid with similar properties. This amino acid position is conserved. In addition, this alteration is predicted to be tolerated by in silico analysis. Based on the available evidence, the clinical significance of this variant remains unclear.